The following is an entry in ClinVar:

ClinVar aggregate classification (germline): Benign/Likely benign. Review status: criteria provided, multiple submitters, no conflicts (2 of 4 stars). 5 submissions from 5 submitters: Benign (2); Likely benign (3). Last evaluated 2026-01-18.

Conditions:
Primary dilated cardiomyopathy (DCM). Also called: Dilated Cardiomyopathy. Identifiers: Orphanet 217604, MedGen C0007193, MeSH D002311, MONDO:0005021, HP:0001644. Inheritance: Various modes of inheritance.

Allele frequency attached by ClinVar (database versions not stated): gnomAD 0.00001 and 0.00015; TOPMed 0.00002; gnomAD exomes 0.00014 and 0.00032; ExAC 0.00036; 1000 Genomes Project 30x 0.00047; 1000 Genomes Project 0.00060.
gnomAD v4.1: 232 of 1,613,972 alleles (0.014%); highest among the groups gnomAD compares: South Asian, 0.2%; 3 homozygotes.

Submissions (5):

Labcorp Genetics (formerly Invitae), Labcorp
Classification: Benign for Primary dilated cardiomyopathy. Last evaluated: 2026-01-18. Review status: criteria provided, single submitter. Criteria: Invitae Variant Classification Sherloc (09022015). Collection method: clinical testing. Allele origin: germline.

Women's Health and Genetics/Laboratory Corporation of America, LabCorp
Classification: Benign. Last evaluated: 2023-08-19. Review status: criteria provided, single submitter. Criteria: LabCorp Variant Classification Summary - May 2015. Collection method: clinical testing. Allele origin: germline.

Ambry Genetics
Classification: Likely benign. Last evaluated: 2022-07-29. Review status: criteria provided, single submitter. Criteria: Ambry Variant Classification Scheme 2023. Collection method: clinical testing. Allele origin: germline.

Laboratory for Molecular Medicine, Mass General Brigham Personalized Medicine
Classification: Likely benign. Last evaluated: 2013-04-09. Review status: criteria provided, single submitter. Criteria: LMM Criteria. Collection method: clinical testing. Allele origin: germline. Observed: 2 variant alleles.
Comment: Asp971Asp in exon 28 of NEBL: This variant is not expected to have clinical sign ificance because it does not alter an amino acid residue and is not located with in the splice consensus sequence. Asp971Asp in exon 28 of NEBL (allele frequenc y = n/a)

Breakthrough Genomics
Classification: Likely benign. Review status: criteria provided, single submitter. Criteria: ACMG Guidelines, 2015. Collection method: not provided. Allele origin: germline. Inheritance: Unknown mechanism. Affected: yes.

NM_006393.3(NEBL):c.2913C>T (p.Asp971=)

Gene: NEBL (nebulette; minus strand). Cytogenetic location: 10p12.31.
Variant type: single nucleotide variant.
Coding change: c.2913C>T on transcript NM_006393.3 (MANE Select); coding-DNA position 2913, C replaced by T.
Protein change: p.Asp971=; no amino-acid change (aspartic acid 971 retained).
Molecular consequence: synonymous variant. On other transcripts: 3 prime UTR variant (1).
Genome position (GRCh38, 1-based): chr10:20,785,879, G>A on the plus strand (C>T on the coding strand, the complement: NEBL is on the minus strand). VCF-style: chr10-20785879-G-A. GRCh37 (hg19) VCF-style: chr10-21074808-G-A.
Other names: c.*4C>T (NM_001173484.2); c.774C>T, p.Asp258= (NM_001377322.1); c.633C>T, p.Asp211= (NM_001377323.1); c.624C>T, p.Asp208= (NM_001377324.1); c.615C>T, p.Asp205= (NM_001377325.1); c.573C>T, p.Asp191= (NM_001377326.1, NM_001377327.1, NM_001377328.1); c.681C>T, p.Asp227= (NM_213569.2).
Identifiers: ClinVar variation 164734 (VCV000164734.18), dbSNP rs575423101, ClinGen allele CA177405.